The following is an entry in ClinVar:

ClinVar aggregate classification (germline): Uncertain significance (1 of 4 stars; one submission).

Conditions:
FG syndrome (FGS). Identifiers: MedGen C0220769, MONDO:0002010.

Allele frequency attached by ClinVar (database versions not stated): gnomAD exomes 0.00001; ExAC 0.00002.
gnomAD v4.1: 9 of 1,211,274 alleles (0.00074%); highest among the groups gnomAD compares: Non-Finnish European, 0.001%; no homozygotes.

Submission:

Labcorp Genetics (formerly Invitae), Labcorp
Classification: Uncertain significance for FG syndrome. Last evaluated: 2022-08-12. Review status: criteria provided, single submitter. Criteria: Invitae Variant Classification Sherloc (09022015). Collection method: clinical testing. Allele origin: germline.
Comment: This sequence change replaces alanine, which is neutral and non-polar, with serine, which is neutral and polar, at codon 121 of the MED12 protein (p.Ala121Ser). This variant is present in population databases (rs745348543, gnomAD 0.004%), including at least one homozygous and/or hemizygous individual. This variant has not been reported in the literature in individuals affected with MED12-related conditions. Algorithms developed to predict the effect of missense changes on protein structure and function are either unavailable or do not agree on the potential impact of this missense change (SIFT: "Deleterious"; PolyPhen-2: "Benign"; Align-GVGD: "Class C0"). In summary, the available evidence is currently insufficient to determine the role of this variant in disease. Therefore, it has been classified as a Variant of Uncertain Significance.

NM_005120.3(MED12):c.361G>T (p.Ala121Ser)

Gene: MED12 (mediator complex subunit 12; plus strand). Cytogenetic location: Xq13.1.
Variant type: single nucleotide variant.
Coding change: c.361G>T on transcript NM_005120.3 (MANE Select); coding-DNA position 361, G replaced by T.
Protein change: p.Ala121Ser; replaces alanine 121 with serine.
Molecular consequence: missense variant.
Genome position (GRCh38, 1-based): chrX:71,119,842, G>T. VCF-style: chrX-71119842-G-T. GRCh37 (hg19) VCF-style: chrX-70339692-G-T.
Other names: short protein forms A121S.
Identifiers: ClinVar variation 2428427 (VCV002428427.8), dbSNP rs745348543, ClinGen allele CA10444025.